The following is an entry in ClinVar:

NM_024649.5(BBS1):c.723+1G>C

Gene: BBS1 (Bardet-Biedl syndrome 1; plus strand). Cytogenetic location: 11q13.2.
Variant type: single nucleotide variant.
Coding change: c.723+1G>C on transcript NM_024649.5 (MANE Select); the canonical splice donor site of the intron after coding-DNA position 723, G replaced by C.
Molecular consequence: splice donor variant.
Genome position (GRCh38, 1-based): chr11:66,519,749, G>C. VCF-style: chr11-66519749-G-C. GRCh37 (hg19) VCF-style: chr11-66287220-G-C.
Identifiers: ClinVar variation 967203 (VCV000967203.11), dbSNP rs1295318869, ClinGen allele CA381459058.

ClinVar aggregate classification (germline): Pathogenic/Likely pathogenic. Review status: criteria provided, multiple submitters, no conflicts (2 of 4 stars). 4 submissions from 4 submitters: Pathogenic (1); Likely pathogenic (3). Last evaluated 2026-04-06.

Conditions:
Bardet-Biedl syndrome (BBS). Identifiers: Orphanet 110, MedGen C0752166, MONDO:0015229.
Bardet-Biedl syndrome 1 (BBS1). Identifiers: MedGen C2936862, MONDO:0008854, OMIM 209900. Disease mechanism: loss of function.
BBS1-related disorder. Also called: BBS1-related condition.

Allele frequency attached by ClinVar (database versions not stated): gnomAD exomes 0.00001.
gnomAD v4.1: 2 of 1,613,034 alleles (0.00012%); highest among the groups gnomAD compares: Admixed American, 0.0033%; no homozygotes.

Submissions (4):

PreventionGenetics, part of Exact Sciences
Classification: Likely pathogenic for BBS1-related condition. Last evaluated: 2026-04-06. Review status: criteria provided, single submitter. Criteria: ACMG Guidelines, 2015. Collection method: clinical testing. Allele origin: germline.
Comment: The BBS1 c.723+1G>C variant is predicted to disrupt the GT donor site and interfere with normal splicing. To our knowledge, this variant has not been reported in the literature in a patient with a BBS1-related disorder. This variant is reported in 0.0058% of alleles in individuals of Latino descent in gnomAD. Variants that disrupt the consensus splice donor site in BBS1 are expected to be pathogenic. This variant is interpreted as likely pathogenic.

Labcorp Genetics (formerly Invitae), Labcorp
Classification: Pathogenic for Bardet-Biedl syndrome. Last evaluated: 2024-12-03. Review status: criteria provided, single submitter. Criteria: Invitae Variant Classification Sherloc (09022015). Collection method: clinical testing. Allele origin: germline.
Comment: This sequence change affects a donor splice site in intron 8 of the BBS1 gene. It is expected to disrupt RNA splicing. Variants that disrupt the donor or acceptor splice site typically lead to a loss of protein function (PMID: 16199547), and loss-of-function variants in BBS1 are known to be pathogenic (PMID: 12118255, 21520335, 27032803). This variant is present in population databases (no rsID available, gnomAD 0.006%). Disruption of this splice site has been observed in individuals with Bardet-Biedl syndrome and/or clinical features of retinitis pigmentosa (internal data). ClinVar contains an entry for this variant (Variation ID: 967203). Algorithms developed to predict the effect of sequence changes on RNA splicing suggest that this variant may disrupt the consensus splice site. For these reasons, this variant has been classified as Pathogenic.

Fulgent Genetics
Classification: Likely pathogenic for Bardet-Biedl syndrome 1. Last evaluated: 2024-01-15. Review status: criteria provided, single submitter. Criteria: ACMG Guidelines, 2015. Collection method: clinical testing. Allele origin: germline.

Baylor Genetics
Classification: Likely pathogenic for Bardet-Biedl syndrome 1. Last evaluated: 2023-06-28. Review status: criteria provided, single submitter. Criteria: ACMG Guidelines, 2015. Collection method: clinical testing. Allele origin: unknown.

Literature cited by the submitters: PubMed 16199547 (cited by Labcorp Genetics (formerly Invitae), Labcorp); PubMed 12118255 (cited by Labcorp Genetics (formerly Invitae), Labcorp); PubMed 21520335 (cited by Labcorp Genetics (formerly Invitae), Labcorp); PubMed 27032803 (cited by Labcorp Genetics (formerly Invitae), Labcorp).